The following is an entry in ClinVar:

NM_001379500.1(COL18A1):c.2086G>A (p.Gly696Arg)

Gene: COL18A1 (collagen type XVIII alpha 1 chain; plus strand). Cytogenetic location: 21q22.3.
Variant type: single nucleotide variant.
Coding change: c.2086G>A on transcript NM_001379500.1 (MANE Select); coding-DNA position 2086, G replaced by A.
Protein change: p.Gly696Arg; replaces glycine 696 with arginine.
Molecular consequence: missense variant.
Genome position (GRCh38, 1-based): chr21:45,491,243, G>A. VCF-style: chr21-45491243-G-A. GRCh37 (hg19) VCF-style: chr21-46911157-G-A.
Other names: c.2626G>A, p.Gly876Arg (NM_030582.4); c.3331G>A, p.Gly1111Arg (NM_130444.3); short protein forms G696R, G876R, G1111R.
Identifiers: ClinVar variation 1460713 (VCV001460713.3), dbSNP rs774209774, ClinGen allele CA10066796.

ClinVar aggregate classification (germline): Uncertain significance (1 of 4 stars; one submission).

Allele frequency attached by ClinVar (database versions not stated): ExAC 0.00002; gnomAD 0.00002; gnomAD exomes 0.00002; TOPMed 0.00003.
gnomAD v4.1: 27 of 1,612,048 alleles (0.0017%); highest among the groups gnomAD compares: East Asian, 0.011%; no homozygotes.

Submission:

Labcorp Genetics (formerly Invitae), Labcorp
Classification: Uncertain significance. Last evaluated: 2022-03-18. Review status: criteria provided, single submitter. Criteria: Invitae Variant Classification Sherloc (09022015). Collection method: clinical testing. Allele origin: germline.
Comment: This sequence change replaces glycine, which is neutral and non-polar, with arginine, which is basic and polar, at codon 696 of the COL18A1 protein (p.Gly696Arg). This variant is present in population databases (rs774209774, gnomAD 0.02%). This variant has not been reported in the literature in individuals affected with COL18A1-related conditions. Experimental studies and prediction algorithms are not available or were not evaluated, and the functional significance of this variant is currently unknown. In summary, the available evidence is currently insufficient to determine the role of this variant in disease. Therefore, it has been classified as a Variant of Uncertain Significance.